The following is an entry in ClinVar:

ClinVar aggregate classification (germline): Benign. Review status: criteria provided, single submitter (1 of 4 stars). 2 submissions from 2 submitters: Benign (1). 1 of the submissions does not count toward it. Last evaluated 2024-10-09.

Conditions:
Rubinstein-Taybi syndrome due to EP300 haploinsufficiency. Also called: EP300-Related Rubinstein-Taybi Syndrome; RUBINSTEIN-TAYBI SYNDROME 2. Identifiers: Orphanet 353284, Orphanet 783, MedGen C3150941, MONDO:0013364, OMIM 613684.
EP300-related disorder. Also called: EP300-related condition; EP300-related disorders.

Allele frequency attached by ClinVar (database versions not stated): gnomAD exomes 0.00001; ExAC 0.00002; TOPMed 0.00004; gnomAD 0.00005.
gnomAD v4.1: 17 of 1,613,950 alleles (0.0011%); highest among the groups gnomAD compares: African/African-American, 0.021%; no homozygotes.

Submissions (2):

Labcorp Genetics (formerly Invitae), Labcorp
Classification: Benign for Rubinstein-Taybi syndrome due to EP300 haploinsufficiency. Last evaluated: 2024-10-09. Review status: criteria provided, single submitter. Criteria: Invitae Variant Classification Sherloc (09022015). Collection method: clinical testing. Allele origin: germline.

PreventionGenetics, part of Exact Sciences
Classification: Likely benign for EP300-related condition. Last evaluated: 2023-03-24. Review status: no assertion criteria provided. Collection method: clinical testing. Allele origin: germline. Not counted in ClinVar's aggregate classification.
Comment: This variant is classified as likely benign based on ACMG/AMP sequence variant interpretation guidelines (Richards et al. 2015 PMID: 25741868, with internal and published modifications).

NM_001429.4(EP300):c.5685T>C (p.Pro1895=)

Gene: EP300 (EP300 lysine acetyltransferase; plus strand). Cytogenetic location: 22q13.2.
Variant type: single nucleotide variant.
Coding change: c.5685T>C on transcript NM_001429.4 (MANE Select); coding-DNA position 5685, T replaced by C.
Protein change: p.Pro1895=; no amino-acid change (proline 1895 retained).
Molecular consequence: synonymous variant.
Genome position (GRCh38, 1-based): chr22:41,177,396, T>C. VCF-style: chr22-41177396-T-C. GRCh37 (hg19) VCF-style: chr22-41573400-T-C.
Other names: c.5607T>C, p.Pro1869= (NM_001362843.2); c.5685T>C (NM_001429.3).
Identifiers: ClinVar variation 2050445 (VCV002050445.6), dbSNP rs757884542, ClinGen allele CA10253687.